The following is an entry in ClinVar:

ClinVar aggregate classification (germline): Benign/Likely benign. Review status: criteria provided, single submitter (1 of 4 stars). 4 submissions from 1 submitter: Benign (1); Likely benign (3). Last evaluated 2018-01-13.

Conditions:
Short QT syndrome type 2. Identifiers: Orphanet 51083, MedGen C1865019, MONDO:0012313, OMIM 609621.
Atrial fibrillation, familial, 3 (ATFB3). Identifiers: MedGen C1837014, MONDO:0011857, OMIM 607554.
Jervell and Lange-Nielsen syndrome 1 (JLNS1). Also called: DEAFNESS, CONGENITAL, AND FUNCTIONAL HEART DISEASE; CARDIOAUDITORY SYNDROME OF JERVELL AND LANGE-NIELSEN; PROLONGED QT INTERVAL IN EKG AND SUDDEN DEATH; SURDO-CARDIAC SYNDROME. Identifiers: Orphanet 768, Orphanet 90647, MedGen C4551509, MONDO:0024540, OMIM 220400.
Long QT syndrome 1 (LQT1). Identifiers: Orphanet 101016, Orphanet 768, MedGen C4551647, MONDO:0100316, OMIM 192500, MONDO:0008646.

Allele frequency attached by ClinVar (database versions not stated): TOPMed 0.00011; 1000 Genomes Project 30x 0.00203; 1000 Genomes Project 0.00300; ExAC 0.00527.
gnomAD v4.1: 470 of 452,172 alleles (0.1%); highest among the groups gnomAD compares: South Asian, 0.69%; 6 homozygotes.

Submissions (4):

Illumina Laboratory Services, Illumina
Classification: Likely benign for Long QT syndrome 1. Last evaluated: 2018-01-13. Review status: criteria provided, single submitter. Criteria: ICSL Variant Classification Criteria 13 December 2019. Collection method: clinical testing. Allele origin: germline.
Comment: This variant was observed in the ICSL laboratory as part of a predisposition screen in an ostensibly healthy population. It had not been previously curated by ICSL or reported in the Human Gene Mutation Database (HGMD: prior to June 1st, 2018), and was therefore a candidate for classification through an automated scoring system. Utilizing variant allele frequency, disease prevalence and penetrance estimates, and inheritance mode, an automated score was calculated to assess if this variant is too frequent to cause the disease. Based on the score and internal cut-off values, a variant classified as likely benign is not then subjected to further curation. The score for this variant resulted in a classification of likely benign for this disease.

Illumina Laboratory Services, Illumina
Classification: Likely benign for Atrial fibrillation, familial, 3. Last evaluated: 2018-01-13. Review status: criteria provided, single submitter. Criteria: ICSL Variant Classification Criteria 13 December 2019. Collection method: clinical testing. Allele origin: germline.
Comment: the same text as in the submission from Illumina Laboratory Services, Illumina above.

Illumina Laboratory Services, Illumina
Classification: Benign for Short QT syndrome type 2. Last evaluated: 2018-01-13. Review status: criteria provided, single submitter. Criteria: ICSL Variant Classification Criteria 13 December 2019. Collection method: clinical testing. Allele origin: germline.
Comment: This variant was observed in the ICSL laboratory as part of a predisposition screen in an ostensibly healthy population. It had not been previously curated by ICSL or reported in the Human Gene Mutation Database (HGMD: prior to June 1st, 2018), and was therefore a candidate for classification through an automated scoring system. Utilizing variant allele frequency, disease prevalence and penetrance estimates, and inheritance mode, an automated score was calculated to assess if this variant is too frequent to cause the disease. Based on the score and internal cut-off values, a variant classified as benign is not then subjected to further curation. The score for this variant resulted in a classification of benign for this disease.

Illumina Laboratory Services, Illumina
Classification: Likely benign for Jervell and Lange-Nielsen syndrome 1. Last evaluated: 2018-01-13. Review status: criteria provided, single submitter. Criteria: ICSL Variant Classification Criteria 13 December 2019. Collection method: clinical testing. Allele origin: germline.
Comment: the same text as in the submission from Illumina Laboratory Services, Illumina above.

NM_000218.3(KCNQ1):c.*632C>T

Genes: KCNQ1 (potassium voltage-gated channel subfamily Q member 1; plus strand), KCNQ1-AS1 (KCNQ1 antisense RNA 1; minus strand). Cytogenetic location: 11p15.4.
Variant type: single nucleotide variant.
Coding change: c.*632C>T on transcript NM_000218.3 (MANE Select); 632 bases downstream of the stop codon, C replaced by T.
Molecular consequence: 3 prime UTR variant.
Genome position (GRCh38, 1-based): chr11:2,848,635, C>T. VCF-style: chr11-2848635-C-T. GRCh37 (hg19) VCF-style: chr11-2869865-C-T.
Other names: c.*632C>T (NM_001406836.1, NM_001406837.1, NM_001406838.1 and 2 more transcripts).
Identifiers: ClinVar variation 877624 (VCV000877624.6), dbSNP rs568824453, ClinGen allele CA039238.